The following is an entry in ClinVar:

NM_014251.3(SLC25A13):c.1665C>T (p.Gly555=)

Gene: SLC25A13 (solute carrier family 25 member 13; minus strand). Cytogenetic location: 7q21.3.
Variant type: single nucleotide variant.
Coding change: c.1665C>T on transcript NM_014251.3 (MANE Select); coding-DNA position 1665, C replaced by T.
Protein change: p.Gly555=; no amino-acid change (glycine 555 retained).
Molecular consequence: synonymous variant. On other transcripts: non-coding transcript variant (1).
Genome position (GRCh38, 1-based): chr7:96,121,924, G>A on the plus strand (C>T on the coding strand, the complement: SLC25A13 is on the minus strand). VCF-style: chr7-96121924-G-A. GRCh37 (hg19) VCF-style: chr7-95751236-G-A.
Other names: c.1668C>T, p.Gly556= (NM_001160210.2).
Identifiers: ClinVar variation 501938 (VCV000501938.17), dbSNP rs199735534, ClinGen allele CA4352826.

ClinVar aggregate classification (germline): Conflicting classifications of pathogenicity. Review status: criteria provided, conflicting classifications (1 of 4 stars). 3 submissions from 3 submitters: Uncertain significance (1); Likely benign (1). 1 of the submissions does not count toward it. Last evaluated 2024-03-11.

Conditions:
SLC25A13-related disorder. Also called: SLC25A13-related condition.
Citrin deficiency. Identifiers: Orphanet 247582, MedGen C1997910, MONDO:0016602.

Allele frequency attached by ClinVar (database versions not stated): gnomAD 0.00001 and 0.00005; TOPMed 0.00001; gnomAD exomes 0.00003 and 0.00006; ExAC 0.00007; 1000 Genomes Project 30x 0.00031; 1000 Genomes Project 0.00040.
gnomAD v4.1: 48 of 1,613,964 alleles (0.003%); highest among the groups gnomAD compares: South Asian, 0.043%; no homozygotes.

Submissions (3):

Labcorp Genetics (formerly Invitae), Labcorp
Classification: Likely benign for Citrin deficiency. Last evaluated: 2024-03-11. Review status: criteria provided, single submitter. Criteria: Invitae Variant Classification Sherloc (09022015). Collection method: clinical testing. Allele origin: germline.

Eurofins Ntd Llc (ga)
Classification: Uncertain significance. Last evaluated: 2017-05-08. Review status: criteria provided, single submitter. Criteria: EGL Classification Definitions 2015. Collection method: clinical testing. Allele origin: germline. Observed: 1 variant allele, 1 heterozygote.

PreventionGenetics, part of Exact Sciences
Classification: Likely benign for SLC25A13-related condition. Last evaluated: 2024-01-30. Review status: no assertion criteria provided. Collection method: clinical testing. Allele origin: germline. Not counted in ClinVar's aggregate classification.
Comment: This variant is classified as likely benign based on ACMG/AMP sequence variant interpretation guidelines (Richards et al. 2015 PMID: 25741868, with internal and published modifications).